The following is an entry in ClinVar:

NM_002354.3(EPCAM):c.43G>C (p.Ala15Pro)

Gene: EPCAM (epithelial cell adhesion molecule; plus strand). Cytogenetic location: 2p21.
Variant type: single nucleotide variant.
Coding change: c.43G>C on transcript NM_002354.3 (MANE Select); coding-DNA position 43, G replaced by C.
Protein change: p.Ala15Pro; replaces alanine 15 with proline.
Molecular consequence: missense variant.
Genome position (GRCh38, 1-based): chr2:47,369,548, G>C. VCF-style: chr2-47369548-G-C. GRCh37 (hg19) VCF-style: chr2-47596687-G-C.
Other names: short protein forms A15P.
Identifiers: ClinVar variation 3275834 (VCV003275834.1).

ClinVar aggregate classification (germline): Uncertain significance (1 of 4 stars; one submission).

Conditions:
Hereditary cancer-predisposing syndrome. Also called: Tumor predisposition; Hereditary Cancer Syndrome; Hereditary neoplastic syndrome; Neoplastic Syndromes, Hereditary. Identifiers: Orphanet 140162, MedGen C0027672, MeSH D009386, MONDO:0015356.

Submission:

Ambry Genetics
Classification: Uncertain significance for Hereditary cancer-predisposing syndrome. Last evaluated: 2024-04-12. Review status: criteria provided, single submitter. Criteria: Ambry Variant Classification Scheme 2023. Collection method: clinical testing. Allele origin: germline.
Comment: The p.A15P variant (also known as c.43G>C), located in coding exon 1 of the EPCAM gene, results from a G to C substitution at nucleotide position 43. The alanine at codon 15 is replaced by proline, an amino acid with highly similar properties. This amino acid position is conserved. In addition, the in silico prediction for this alteration is inconclusive. Based on the available evidence, the clinical significance of this variant remains unclear.